The following is an entry in ClinVar:

NM_004999.4(MYO6):c.2548C>G (p.Leu850Val)

Gene: MYO6 (myosin VI; plus strand). Cytogenetic location: 6q14.1.
Variant type: single nucleotide variant.
Coding change: c.2548C>G on transcript NM_004999.4 (MANE Select); coding-DNA position 2548, C replaced by G.
Protein change: p.Leu850Val; replaces leucine 850 with valine.
Molecular consequence: missense variant. On other transcripts: non-coding transcript variant (1).
Genome position (GRCh38, 1-based): chr6:75,886,884, C>G. VCF-style: chr6-75886884-C-G. GRCh37 (hg19) VCF-style: chr6-76596601-C-G.
Other names: c.2548C>G, p.Leu850Val (NM_001300899.2, NM_001368136.1, NM_001368137.1 and 2 more transcripts); c.2533C>G, p.Leu845Val (NM_001368138.1); short protein forms L850V, L845V.
Identifiers: ClinVar variation 45145 (VCV000045145.5), dbSNP rs397517047, ClinGen allele CA135611.

ClinVar aggregate classification (germline): Uncertain significance (1 of 4 stars; one submission).

Submission:

Laboratory for Molecular Medicine, Mass General Brigham Personalized Medicine
Classification: Uncertain significance. Last evaluated: 2010-07-28. Review status: criteria provided, single submitter. Criteria: LMM Criteria. Collection method: clinical testing. Allele origin: germline. Observed: 1 variant allele.
Comment: Variant classified as Uncertain Significance - Favor Benign. The Leu850Val varia nt in MYO6 has not been reported in the literature nor previously identified by our laboratory. This residue is conserved across mammals though not in lower spe cies; however, do not suggest a high likelihood of clinical significance. It sho uld be noted that this lab has only sequenced the MYO6 in 61 Caucasian individua ls such that the full spectrum of benign variation has not yet been defined for this gene, increasing the possibility that this may be a benign variant. In summ ary, the clinical significance of this variant cannot be determined with certain ty at this time; however based upon the arguments described above, we would lean towards a more likely benign role.